The following is an entry in ClinVar:

ClinVar aggregate classification (germline): Uncertain significance (1 of 4 stars; one submission).

Allele frequency attached by ClinVar (database versions not stated): gnomAD 0.00002; gnomAD exomes 0.00002; TOPMed 0.00002; ExAC 0.00007; 1000 Genomes Project 0.00040; 1000 Genomes Project 30x 0.00062.
gnomAD v4.1: 38 of 1,614,150 alleles (0.0024%); highest among the groups gnomAD compares: East Asian, 0.0045%; no homozygotes.

Submission:

Labcorp Genetics (formerly Invitae), Labcorp
Classification: Uncertain significance. Last evaluated: 2023-08-01. Review status: criteria provided, single submitter. Criteria: Invitae Variant Classification Sherloc (09022015). Collection method: clinical testing. Allele origin: germline.
Comment: In summary, the available evidence is currently insufficient to determine the role of this variant in disease. Therefore, it has been classified as a Variant of Uncertain Significance. Algorithms developed to predict the effect of missense changes on protein structure and function output the following: SIFT: "Not Available"; PolyPhen-2: "Benign"; Align-GVGD: "Not Available". The threonine amino acid residue is found in multiple mammalian species, which suggests that this missense change does not adversely affect protein function. This variant has not been reported in the literature in individuals affected with PISD-related conditions. This variant is present in population databases (rs201310686, gnomAD 0.01%). This sequence change replaces alanine, which is neutral and non-polar, with threonine, which is neutral and polar, at codon 234 of the PISD protein (p.Ala234Thr).

NM_001326411.2(PISD):c.700G>A (p.Ala234Thr)

Gene: PISD (phosphatidylserine decarboxylase; minus strand). Cytogenetic location: 22q12.2.
Variant type: single nucleotide variant.
Coding change: c.700G>A on transcript NM_001326411.2 (MANE Select); coding-DNA position 700, G replaced by A.
Protein change: p.Ala234Thr; replaces alanine 234 with threonine.
Molecular consequence: missense variant.
Genome position (GRCh38, 1-based): chr22:31,621,140, C>T on the plus strand (G>A on the coding strand, the complement: PISD is on the minus strand). VCF-style: chr22-31621140-C-T. GRCh37 (hg19) VCF-style: chr22-32017126-C-T.
Other names: c.637G>A, p.Ala213Thr (NM_001326412.1, NM_001326413.2, NM_001326414.2); c.598G>A, p.Ala200Thr (NM_001326415.2, NM_001326416.2, NM_001326417.2 and 3 more transcripts); c.520G>A, p.Ala174Thr (NM_001326418.2, NM_001326420.2); c.700G>A, p.Ala234Thr (NM_001326421.1); short protein forms A200T, A174T, A213T, A234T.
Identifiers: ClinVar variation 2971869 (VCV002971869.1), dbSNP rs201310686, ClinGen allele CA10194678.
Genomic context (GRCh38, chr22:31,621,140, plus strand): 5'-AGTGATAGAGCTCATTCCCTTCCCGGGTGACCAGCTGGTTCTTGAAGGAGTCACACGACG[C>T]GGCTGTGGAGTAGGAGCAGACGTGGGGGCCACCAACACAGTGAGCACCCAGCACGGAGCC-3'
Protein context (NP_001313340.1, residues 224-244): CTEDLPFPPA[Ala234Thr]SCDSFKNQLV